The following is an entry in ClinVar:

ClinVar aggregate classification (germline): Conflicting classifications of pathogenicity. Review status: criteria provided, conflicting classifications (1 of 4 stars). 6 submissions from 6 submitters: Uncertain significance (4); Likely benign (1). 1 of the submissions does not count toward it. Last evaluated 2025-12-03.

Conditions:
NUP205-related disorder. Also called: NUP205-related condition.

Allele frequency attached by ClinVar (database versions not stated): 1000 Genomes Project 30x 0.00031; 1000 Genomes Project 0.00040; ESP Exome Variant Server 0.00146.
gnomAD v4.1: 2,104 of 1,613,650 alleles (0.13%); highest among the groups gnomAD compares: Non-Finnish European, 0.16%; 4 homozygotes.

Submissions (6):

Labcorp Genetics (formerly Invitae), Labcorp
Classification: Uncertain significance. Last evaluated: 2025-12-03. Review status: criteria provided, single submitter. Criteria: Invitae Variant Classification Sherloc (09022015). Collection method: clinical testing. Allele origin: germline.
Comment: This sequence change replaces alanine, which is neutral and non-polar, with glycine, which is neutral and non-polar, at codon 94 of the NUP205 protein (p.Ala94Gly). This variant is present in population databases (rs148613242, gnomAD 0.2%), and has an allele count higher than expected for a pathogenic variant. This variant has not been reported in the literature in individuals affected with NUP205-related conditions. ClinVar contains an entry for this variant (Variation ID: 1509897). Invitae Evidence Modeling of protein sequence and biophysical properties (such as structural, functional, and spatial information, amino acid conservation, physicochemical variation, residue mobility, and thermodynamic stability) indicates that this missense variant is expected to disrupt NUP205 protein function with a positive predictive value of 80%. In summary, the available evidence is currently insufficient to determine the role of this variant in disease. Therefore, it has been classified as a Variant of Uncertain Significance.

Mayo Clinic Laboratories, Mayo Clinic
Classification: Uncertain significance. Last evaluated: 2025-10-12. Review status: criteria provided, single submitter. Criteria: ACMG Guidelines, 2015. Collection method: clinical testing. Allele origin: germline. Observed: 1 variant allele.

CeGaT Center for Human Genetics Tuebingen
Classification: Likely benign. Last evaluated: 2025-04-01. Review status: criteria provided, single submitter. Criteria: CeGaT Center For Human Genetics Tuebingen Variant Classification Criteria Version 2. Collection method: clinical testing. Allele origin: germline. Affected: yes. Observed: 1 variant allele.
Comment: NUP205: BS2

Blueprint Genetics
Classification: Uncertain significance. Last evaluated: 2024-11-26. Review status: criteria provided, single submitter. Criteria: ACMG Guidelines, 2015. Collection method: clinical testing. Allele origin: germline.

Breakthrough Genomics
Classification: Uncertain significance. Review status: criteria provided, single submitter. Criteria: ACMG Guidelines, 2015. Collection method: not provided. Allele origin: germline. Inheritance: Autosomal recessive inheritance. Affected: yes.

PreventionGenetics, part of Exact Sciences
Classification: Likely benign for NUP205-related condition. Last evaluated: 2022-02-14. Review status: no assertion criteria provided. Collection method: clinical testing. Allele origin: germline. Not counted in ClinVar's aggregate classification.
Comment: This variant is classified as likely benign based on ACMG/AMP sequence variant interpretation guidelines (Richards et al. 2015 PMID: 25741868, with internal and published modifications).

Literature cited by the submitters: PubMed 38707654 (cited by Mayo Clinic Laboratories, Mayo Clinic).

NM_015135.3(NUP205):c.281C>G (p.Ala94Gly)

Gene: NUP205 (nucleoporin 205; plus strand). Cytogenetic location: 7q33.
Variant type: single nucleotide variant.
Coding change: c.281C>G on transcript NM_015135.3 (MANE Select); coding-DNA position 281, C replaced by G.
Protein change: p.Ala94Gly; replaces alanine 94 with glycine.
Molecular consequence: missense variant. On other transcripts: 5 prime UTR variant (1).
Genome position (GRCh38, 1-based): chr7:135,573,763, C>G. VCF-style: chr7-135573763-C-G. GRCh37 (hg19) VCF-style: chr7-135258511-C-G.
Other names: p.Ala94Gly; c.-805C>G (NM_001329434.2); c.281C>G (NM_015135.2); short protein forms A94G.
Identifiers: ClinVar variation 1509897 (VCV001509897.17), dbSNP rs148613242, ClinGen allele CA4497809.